The following is an entry in ClinVar:

ClinVar aggregate classification (germline): Uncertain significance (1 of 4 stars; one submission).

Conditions:
Marfan syndrome (MFS). Also called: Marfan syndrome, classic; Marfan syndrome type 1; Marfan's syndrome; MARFAN SYNDROME, TYPE I; FBN1-Related Marfan Syndrome. Identifiers: Orphanet 284963, Orphanet 558, MedGen C0024796, MONDO:0007947, OMIM 154700.
Familial thoracic aortic aneurysm and aortic dissection (TAAD). Also called: Thoracic aortic aneurysms and dissections. Identifiers: Orphanet 91387, MedGen C4707243, MONDO:0019625.

Submission:

Labcorp Genetics (formerly Invitae), Labcorp
Classification: Uncertain significance for Marfan syndrome; Familial thoracic aortic aneurysm and aortic dissection. Last evaluated: 2025-07-07. Review status: criteria provided, single submitter. Criteria: Invitae Variant Classification Sherloc (09022015). Collection method: clinical testing. Allele origin: germline.
Comment: This sequence change replaces glycine, which is neutral and non-polar, with cysteine, which is neutral and slightly polar, at codon 2270 of the FBN1 protein (p.Gly2270Cys). This variant is not present in population databases (gnomAD no frequency). This variant has not been reported in the literature in individuals affected with FBN1-related conditions. ClinVar contains an entry for this variant (Variation ID: 406276). Invitae Evidence Modeling of protein sequence and biophysical properties (such as structural, functional, and spatial information, amino acid conservation, physicochemical variation, residue mobility, and thermodynamic stability) indicates that this missense variant is expected to disrupt FBN1 protein function with a positive predictive value of 95%. In summary, the available evidence is currently insufficient to determine the role of this variant in disease. Therefore, it has been classified as a Variant of Uncertain Significance.

NM_000138.5(FBN1):c.6808G>T (p.Gly2270Cys)

Gene: FBN1 (fibrillin 1; minus strand). Cytogenetic location: 15q21.1.
Variant type: single nucleotide variant.
Coding change: c.6808G>T on transcript NM_000138.5 (MANE Select); coding-DNA position 6808, G replaced by T.
Protein change: p.Gly2270Cys; replaces glycine 2270 with cysteine.
Molecular consequence: missense variant.
Genome position (GRCh38, 1-based): chr15:48,430,734, C>A on the plus strand (G>T on the coding strand, the complement: FBN1 is on the minus strand). VCF-style: chr15-48430734-C-A. GRCh37 (hg19) VCF-style: chr15-48722931-C-A.
Other names: short protein forms G2270C.
Identifiers: ClinVar variation 406276 (VCV000406276.8), dbSNP rs1060501025, ClinGen allele CA16614791.